The following is an entry in ClinVar:

ClinVar aggregate classification (germline): Uncertain significance (1 of 4 stars; one submission).

Submission:

Labcorp Genetics (formerly Invitae), Labcorp
Classification: Uncertain significance. Last evaluated: 2022-10-17. Review status: criteria provided, single submitter. Criteria: Invitae Variant Classification Sherloc (09022015). Collection method: clinical testing. Allele origin: germline.
Comment: In summary, the available evidence is currently insufficient to determine the role of this variant in disease. Therefore, it has been classified as a Variant of Uncertain Significance. Algorithms developed to predict the effect of missense changes on protein structure and function are either unavailable or do not agree on the potential impact of this missense change (SIFT: "Deleterious"; PolyPhen-2: "Benign"; Align-GVGD: "Class C0"). This variant has not been reported in the literature in individuals affected with PRDM13-related conditions. This variant is not present in population databases (gnomAD no frequency). This sequence change replaces alanine, which is neutral and non-polar, with threonine, which is neutral and polar, at codon 418 of the PRDM13 protein (p.Ala418Thr).

NM_021620.4(PRDM13):c.1252G>A (p.Ala418Thr)

Gene: PRDM13 (PR/SET domain 13; plus strand). Cytogenetic location: 6q16.2.
Variant type: single nucleotide variant.
Coding change: c.1252G>A on transcript NM_021620.4 (MANE Select); coding-DNA position 1252, G replaced by A.
Protein change: p.Ala418Thr; replaces alanine 418 with threonine.
Molecular consequence: missense variant.
Genome position (GRCh38, 1-based): chr6:99,613,887, G>A. VCF-style: chr6-99613887-G-A. GRCh37 (hg19) VCF-style: chr6-100061763-G-A.
Other names: short protein forms A418T.
Identifiers: ClinVar variation 1996231 (VCV001996231.4), dbSNP rs2538546596, ClinGen allele CA365118012.